The following is an entry in ClinVar:

NC_000005.9:g.(?_73980960)_(74059567_?)dup

Genes: GFM2 (GTP dependent ribosome recycling factor mitochondrial 2; minus strand), HEXB (hexosaminidase subunit beta; plus strand). Cytogenetic location: 5q13.3.
Variant type: Duplication.
Identifiers: ClinVar variation 2427030 (VCV002427030.3).

ClinVar aggregate classification (germline): Uncertain significance (1 of 4 stars; one submission).

Submission:

Labcorp Genetics (formerly Invitae), Labcorp
Classification: Uncertain significance. Last evaluated: 2021-12-03. Review status: criteria provided, single submitter. Criteria: Invitae Variant Classification Sherloc (09022015). Collection method: clinical testing. Allele origin: germline.
Comment: A copy number gain of the genomic region encompassing the full coding sequence of the GFM2 gene has been identified. The boundaries of this event are unknown as they extend beyond the assayed region for this gene and therefore may encompass additional genes. As the precise location of this event is unknown, it may be in tandem or it may be located elsewhere in the genome. This variant has not been reported in the literature in individuals affected with GFM2-related conditions. In summary, the available evidence is currently insufficient to determine the role of this variant in disease. Therefore, it has been classified as a Variant of Uncertain Significance.